The following is an entry in ClinVar:

NM_001184880.2(PCDH19):c.786del (p.Ser263fs)

Gene: PCDH19 (protocadherin 19; minus strand). Cytogenetic location: Xq22.1.
Variant type: Deletion.
Coding change: c.786del on transcript NM_001184880.2 (MANE Select); coding-DNA position 786, one base deleted (C; older notation c.786delC).
Protein change: p.Ser263fs; shifts the reading frame from serine 263.
Molecular consequence: frameshift variant.
Genome position (GRCh38, 1-based): chrX:100,407,812, G deleted on the plus strand (C on the coding strand, the reverse complement: PCDH19 is on the minus strand); the first of 2 consecutive G bases (chrX:100,407,812-100,407,813); deleting either gives the same sequence. VCF-style (leftmost placement, unchanged base first): chrX-100407811-TG-T. GRCh37 (hg19) VCF-style: chrX-99662809-TG-T.
Other names: c.786del, p.Ser263fs (NM_001105243.2, NM_020766.3); short protein forms S263fs.
Identifiers: ClinVar variation 2805357 (VCV002805357.3), dbSNP rs2520989896, ClinGen allele CA2739273666.

ClinVar aggregate classification (germline): Pathogenic (1 of 4 stars; one submission).

Conditions:
Developmental and epileptic encephalopathy, 9 (DEE9). Also called: JUBERG-HELLMAN SYNDROME; Early infantile epileptic encephalopathy 9; EPILEPSY, FEMALE-RESTRICTED, WITH MENTAL RETARDATION; PCDH19-Related X-Linked Female-Limited Epilepsy with Mental Retardation. Identifiers: Orphanet 101039, Orphanet 2076, MedGen C1848137, MONDO:0010246, OMIM 300088. Disease mechanism: loss of function.

Submission:

Labcorp Genetics (formerly Invitae), Labcorp
Classification: Pathogenic for Developmental and epileptic encephalopathy, 9. Last evaluated: 2023-07-16. Review status: criteria provided, single submitter. Criteria: Invitae Variant Classification Sherloc (09022015). Collection method: clinical testing. Allele origin: germline.
Comment: For these reasons, this variant has been classified as Pathogenic. This variant has not been reported in the literature in individuals affected with PCDH19-related conditions. This variant is not present in population databases (gnomAD no frequency). This sequence change creates a premature translational stop signal (p.Ser263Alafs*42) in the PCDH19 gene. It is expected to result in an absent or disrupted protein product. Loss-of-function variants in PCDH19 are known to be pathogenic (PMID: 21053371).

Literature cited by the submitters: PubMed 21053371.